The following is an entry in ClinVar:

ClinVar aggregate classification (somatic clinical impact): Tier I - Strong (1 of 4 stars; one submission).

Conditions:
Medulloblastoma WNT activated. Identifiers: MedGen C4331965, MONDO:0850196.

Submission:

Institute for Genomic Medicine (IGM) Clinical Laboratory, Nationwide Children's Hospital
Classification: Tier I - Strong for Medulloblastoma WNT activated. Assertion type: diagnostic. Clinical significance: supports diagnosis. Last evaluated: 2023-07-11. Review status: criteria provided, single submitter. Criteria: AMP/ASCO/CAP Guidelines, 2017. Collection method: clinical testing. Allele origin: somatic. Affected: yes.
Comment: Variant has Tier I (strong) clinical significance as a diagnostic inclusion criterion in medulloblastoma WNT activated, based on the following evidence: 1) Documented in one or more cancer databases (e.g., St. Jude Pecan, COSMIC, CIViC, OncoKB). 2) Appears in one or more well-established professional guidelines (e.g., World Health Organization [WHO]; National Comprehensive Cancer Network [NCCN]) as providing diagnostic, prognostic, or therapeutic information. 3) Diagnostic for a specific tumor type/classification based on well-powered studies with expert-level consensus (Evidence Level B; PMIDs: 28726821, 23208470, 33172502, 22009941, 21163964).

Literature cited by the submitters: PubMed 28726821; PubMed 23208470; PubMed 33172502; PubMed 22009941; PubMed 21163964.

NM_006015.6(ARID1A):c.5197G>T (p.Glu1733Ter)

Gene: ARID1A (AT-rich interaction domain 1A; plus strand). Cytogenetic location: 1p36.11.
Variant type: single nucleotide variant.
Coding change: c.5197G>T on transcript NM_006015.6 (MANE Select); coding-DNA position 5197, G replaced by T.
Protein change: p.Glu1733Ter; replaces glutamic acid 1733 with a stop codon.
Molecular consequence: nonsense.
Genome position (GRCh38, 1-based): chr1:26,779,095, G>T. VCF-style: chr1-26779095-G-T. GRCh37 (hg19) VCF-style: chr1-27105586-G-T.
Other names: c.4546G>T, p.Glu1516Ter (NM_139135.4); short protein forms E1516*, E1733*.
Identifiers: ClinVar variation 4530198 (VCV004530198.1).
Genomic context (GRCh38, chr1:26,779,095, plus strand): 5'-CTAGAGCTCCTTGTAGAATATTTCCGACGATGCCTGATTGAGATCTTTGGCATTTTAAAG[G>T]AGTATGAGGTGGGTGACCCAGGACAGAGAACGCTACTGGATCCTGGGAGGTTCAGCAAGG-3'